The following is an entry in ClinVar:

ClinVar aggregate classification (germline): Uncertain significance (1 of 4 stars; one submission).

Allele frequency attached by ClinVar (database versions not stated): gnomAD exomes below 0.00001; ExAC 0.00001.
gnomAD v4.1: 2 of 1,578,172 alleles (0.00013%); highest among the groups gnomAD compares: Non-Finnish European, 0.00017%; no homozygotes.

Submission:

Labcorp Genetics (formerly Invitae), Labcorp
Classification: Uncertain significance. Last evaluated: 2024-06-17. Review status: criteria provided, single submitter. Criteria: Invitae Variant Classification Sherloc (09022015). Collection method: clinical testing. Allele origin: germline.
Comment: This sequence change replaces methionine, which is neutral and non-polar, with isoleucine, which is neutral and non-polar, at codon 65 of the SPPL2A protein (p.Met65Ile). This variant is present in population databases (rs779869965, gnomAD 0.001%). This variant has not been reported in the literature in individuals affected with SPPL2A-related conditions. An algorithm developed to predict the effect of missense changes on protein structure and function (PolyPhen-2) suggests that this variant is likely to be tolerated. In summary, the available evidence is currently insufficient to determine the role of this variant in disease. Therefore, it has been classified as a Variant of Uncertain Significance.

NM_032802.4(SPPL2A):c.195G>A (p.Met65Ile)

Gene: SPPL2A (signal peptide peptidase like 2A; minus strand). Cytogenetic location: 15q21.2.
Variant type: single nucleotide variant.
Coding change: c.195G>A on transcript NM_032802.4 (MANE Select); coding-DNA position 195, G replaced by A.
Protein change: p.Met65Ile; replaces methionine 65 with isoleucine.
Molecular consequence: missense variant.
Genome position (GRCh38, 1-based): chr15:50,748,853, C>T on the plus strand (G>A on the coding strand, the complement: SPPL2A is on the minus strand). VCF-style: chr15-50748853-C-T. GRCh37 (hg19) VCF-style: chr15-51041050-C-T.
Other names: short protein forms M65I.
Identifiers: ClinVar variation 2977947 (VCV002977947.3), dbSNP rs779869965, ClinGen allele CA7558550.
Genomic context (GRCh38, chr15:50,748,853, plus strand): 5'-GCTCTTTATGCCAACAGGAGGAATATCAGAAAGGTTGCATAGTGGTGTGGAAGTCAGATT[C>T]ATCAAACTAATGGAAGTCTGAAAATAAGAAATGTCTTTTTAACATGTTAAAAATCTATTT-3'
Protein context (NP_116191.2, residues 55-75): TLENATSISL[Met65Ile]NLTSTPLCNL